The following is an entry in ClinVar:

NM_000553.6(WRN):c.1487A>G (p.Lys496Arg)

Gene: WRN (WRN RecQ like helicase; plus strand). Cytogenetic location: 8p12.
Variant type: single nucleotide variant.
Coding change: c.1487A>G on transcript NM_000553.6 (MANE Select); coding-DNA position 1487, A replaced by G.
Protein change: p.Lys496Arg; replaces lysine 496 with arginine.
Molecular consequence: missense variant.
Genome position (GRCh38, 1-based): chr8:31,087,831, A>G. VCF-style: chr8-31087831-A-G. GRCh37 (hg19) VCF-style: chr8-30945347-A-G.
Other names: short protein forms K496R.
Identifiers: ClinVar variation 1369413 (VCV001369413.8), dbSNP rs2130156186, ClinGen allele CA370924396.

ClinVar aggregate classification (germline): Uncertain significance (1 of 4 stars; one submission).

Conditions:
Werner syndrome (WRN). Identifiers: Orphanet 902, MedGen C0043119, MONDO:0010196, OMIM 277700.

gnomAD v4.1: 1 of 1,613,790 alleles (0.000062%); no homozygotes.

Submission:

Labcorp Genetics (formerly Invitae), Labcorp
Classification: Uncertain significance for Werner syndrome. Last evaluated: 2021-07-24. Review status: criteria provided, single submitter. Criteria: Invitae Variant Classification Sherloc (09022015). Collection method: clinical testing. Allele origin: germline.
Comment: In summary, the available evidence is currently insufficient to determine the role of this variant in disease. Therefore, it has been classified as a Variant of Uncertain Significance. Algorithms developed to predict the effect of sequence changes on RNA splicing suggest that this variant may create or strengthen a splice site. Experimental studies have shown that this variant does not substantially affect WRN protein function (PMID: 15355988). Algorithms developed to predict the effect of missense changes on protein structure and function are either unavailable or do not agree on the potential impact of this missense change (SIFT: "Not Available"; PolyPhen-2: "Benign"; Align-GVGD: "Not Available"). This variant has not been reported in the literature in individuals affected with WRN-related conditions. This variant is not present in population databases (ExAC no frequency). This sequence change replaces lysine with arginine at codon 496 of the WRN protein (p.Lys496Arg). The lysine residue is weakly conserved and there is a small physicochemical difference between lysine and arginine.

Literature cited by the submitters: PubMed 15355988.